The following is an entry in ClinVar:

NM_006231.4(POLE):c.4003C>T (p.Gln1335Ter)

Gene: POLE (DNA polymerase epsilon, catalytic subunit; minus strand). Cytogenetic location: 12q24.33.
Variant type: single nucleotide variant.
Coding change: c.4003C>T on transcript NM_006231.4 (MANE Select); coding-DNA position 4003, C replaced by T.
Protein change: p.Gln1335Ter; replaces glutamine 1335 with a stop codon.
Molecular consequence: nonsense.
Genome position (GRCh38, 1-based): chr12:132,649,308, G>A on the plus strand (C>T on the coding strand, the complement: POLE is on the minus strand). VCF-style: chr12-132649308-G-A. GRCh37 (hg19) VCF-style: chr12-133225894-G-A.
Other names: c.4003C>T (NM_006231.2); short protein forms Q1335*.
Identifiers: ClinVar variation 2700471 (VCV002700471.4), dbSNP rs2042361612, ClinGen allele CA387384612.
Genomic context (GRCh38, chr12:132,649,308, plus strand): 5'-ACCCCCTCCCTGGGCCATCAGCAGAGCCACTGCCCTCCCCTTGGATCAAGGTCTATACCT[G>A]CACAATCTGCCACGGAAGGTCCAGGATGCTGCGGGCAGTTCTTCGCAAGAAGCTCCCCAG-3'

ClinVar aggregate classification (germline): Conflicting classifications of pathogenicity. Review status: criteria provided, conflicting classifications (1 of 4 stars). 2 submissions from 2 submitters: Pathogenic (1); Uncertain significance (1). Last evaluated 2026-01-27.

Conditions:
Hereditary cancer-predisposing syndrome. Also called: Tumor predisposition; Hereditary Cancer Syndrome; Hereditary neoplastic syndrome; Neoplastic Syndromes, Hereditary. Identifiers: Orphanet 140162, MedGen C0027672, MeSH D009386, MONDO:0015356.

Submissions (2):

Ambry Genetics
Classification: Uncertain significance for Hereditary cancer-predisposing syndrome. Last evaluated: 2026-01-27. Review status: criteria provided, single submitter. Criteria: Ambry Variant Classification Scheme 2023. Collection method: clinical testing. Allele origin: germline.
Comment: The p.Q1335* variant (also known as c.4003C>T), located in coding exon 31 of the POLE gene, results from a C to T substitution at nucleotide position 4003. This changes the amino acid from a glutamine to a stop codon within coding exon 31. This alteration is expected to result in loss of function by premature protein truncation or nonsense-mediated mRNA decay. In silico splice site analysis predicts that this alteration may weaken the native splice donor site and will result in the creation or strengthening of a novel splice donor site; however, direct evidence is insufficient at this time (Ambry internal data). Although biallelic loss of function of POLE has been associated with autosomal recessive POLE deficiency, haploinsufficiency of POLE has not been established as a mechanism of disease for POLE-related polymerase proofreading-associated polyposis (PPAP) and POLE-related CMMRD-like syndrome. Based on the supporting evidence, this variant is expected to be causative of POLE deficiency when present along with a second pathogenic variant on the other allele; however, its clinical significance for PPAP and POLE-related CMMRD-like syndrome is unclear.

Labcorp Genetics (formerly Invitae), Labcorp
Classification: Pathogenic. Last evaluated: 2023-12-02. Review status: criteria provided, single submitter. Criteria: Invitae Variant Classification Sherloc (09022015). Collection method: clinical testing. Allele origin: germline.
Comment: This sequence change creates a premature translational stop signal (p.Gln1335*) in the POLE gene. It is expected to result in an absent or disrupted protein product. Loss-of-function variants in POLE are known to be pathogenic (PMID: 23230001, 25948378, 30503519). This variant is not present in population databases (gnomAD no frequency). This variant has not been reported in the literature in individuals affected with POLE-related conditions. Algorithms developed to predict the effect of sequence changes on RNA splicing suggest that this variant may disrupt the consensus splice site. For these reasons, this variant has been classified as Pathogenic.

Literature cited by the submitters: PubMed 23230001 (cited by Labcorp Genetics (formerly Invitae), Labcorp); PubMed 25948378 (cited by Labcorp Genetics (formerly Invitae), Labcorp); PubMed 30503519 (cited by Labcorp Genetics (formerly Invitae), Labcorp).